The following is an entry in ClinVar:

ClinVar aggregate classification (germline): Pathogenic. Review status: criteria provided, multiple submitters, no conflicts (2 of 4 stars). 3 submissions from 3 submitters: Pathogenic (2). 1 of the submissions does not count toward it. Last evaluated 2024-04-01.

Conditions:
RASopathy. Also called: rasopathies; Noonan spectrum disorder. Identifiers: Orphanet 536391, MedGen C5555857, MONDO:0021060.
Noonan syndrome (NS). Also called: Noonan's syndrome. Identifiers: Orphanet 648, MedGen C0028326, MeSH D009634, MONDO:0018997. Disease mechanism: gain of function.

Submissions (3):

Labcorp Genetics (formerly Invitae), Labcorp
Classification: Pathogenic for RASopathy. Last evaluated: 2024-04-01. Review status: criteria provided, single submitter. Criteria: Invitae Variant Classification Sherloc (09022015). Collection method: clinical testing. Allele origin: germline.
Comment: This sequence change replaces leucine, which is neutral and non-polar, with phenylalanine, which is neutral and non-polar, at codon 505 of the BRAF protein (p.Leu505Phe). This variant is not present in population databases (gnomAD no frequency). This missense change has been observed in individual(s) with Noonan synrome (PMID: 5586607). In at least one individual the variant was observed to be de novo. ClinVar contains an entry for this variant (Variation ID: 40375). Advanced modeling performed at Invitae incorporating data from internal and/or published experimental studies (Invitae) indicates that this missense variant is expected to disrupt BRAF function with a positive predictive value of 95%. For these reasons, this variant has been classified as Pathogenic.

GeneDx
Classification: Pathogenic. Last evaluated: 2023-11-07. Review status: criteria provided, single submitter. Criteria: GeneDx Variant Classification Process June 2021. Collection method: clinical testing. Allele origin: germline. Affected: yes.
Comment: Published functional studies demonstrate a damaging effect due to increased kinase activity (PMID: 23993095); Not observed in large population cohorts (gnomAD); Missense variants in this gene are often considered pathogenic (HGMD); In silico analysis supports that this missense variant has a deleterious effect on protein structure/function; This variant is associated with the following publications: (PMID: 27481329, 35586607, 36448195, 23993095)

Service de Génétique Moléculaire, Hôpital Robert Debré
Classification: Likely pathogenic for Noonan syndrome. Review status: no assertion criteria provided. Collection method: clinical testing. Allele origin: de novo. Affected: yes. Observed: 1 variant allele. Not counted in ClinVar's aggregate classification.

Literature cited by the submitters: PubMed 5586607 (cited by Labcorp Genetics (formerly Invitae), Labcorp).

NM_004333.6(BRAF):c.1513C>T (p.Leu505Phe)

Gene: BRAF (B-Raf proto-oncogene, serine/threonine kinase; minus strand). Cytogenetic location: 7q34.
Variant type: single nucleotide variant.
Coding change: c.1513C>T on transcript NM_004333.6 (MANE Select); coding-DNA position 1513, C replaced by T.
Protein change: p.Leu505Phe; replaces leucine 505 with phenylalanine.
Molecular consequence: missense variant.
Genome position (GRCh38, 1-based): chr7:140,777,995, G>A on the plus strand (C>T on the coding strand, the complement: BRAF is on the minus strand). VCF-style: chr7-140777995-G-A. GRCh37 (hg19) VCF-style: chr7-140477795-G-A.
Other names: p.L505F:CTC>TTC; c.1522C>T, p.Leu508Phe (NM_001378467.1); c.1513C>T, p.Leu505Phe (NM_001378468.1, NM_001378474.1, NM_001354609.2); c.1447C>T, p.Leu483Phe (NM_001378469.1); c.1411C>T, p.Leu471Phe (NM_001378470.1); c.1402C>T, p.Leu468Phe (NM_001378471.1); c.1357C>T, p.Leu453Phe (NM_001378472.1, NM_001378473.1); c.1249C>T, p.Leu417Phe (NM_001378475.1); and 1 more; short protein forms L505F, L417F, L453F, L468F, L471F, L483F, L508F, L545F.
Identifiers: ClinVar variation 40375 (VCV000040375.9), dbSNP rs397507477, ClinGen allele CA281980.